The following is an entry in ClinVar:

NM_017617.5(NOTCH1):c.320_334dup (p.Cys111_Arg112insLeuThrAsnProCys)

Gene: NOTCH1 (notch receptor 1; minus strand). Cytogenetic location: 9q34.3.
Variant type: Duplication.
Coding change: c.320_334dup on transcript NM_017617.5 (MANE Select); coding-DNA positions 320 to 334, 15 bases duplicated (TCACCAACCCCTGCC).
Protein change: p.Cys111_Arg112insLeuThrAsnProCys.
Molecular consequence: inframe insertion.
Genome position (GRCh38, 1-based): chr9:136,523,786-136,523,800, GGCAGGGGTTGGTGA duplicated on the plus strand (TCACCAACCCCTGCC on the coding strand, the reverse complement: NOTCH1 is on the minus strand); duplicating any 15 consecutive bases within chr9:136,523,786-136,523,806 gives the same sequence; the c. name uses the placement nearest the transcript's 3' end. VCF-style (leftmost placement, unchanged base first): chr9-136523785-C-CGGCAGGGGTTGGTGA. GRCh37 (hg19) VCF-style: chr9-139418237-C-CGGCAGGGGTTGGTGA.
Identifiers: ClinVar variation 4884123 (VCV004884123.2).
Genomic context (GRCh38, chr9:136,523,785, plus strand): 5'-CCGGGCGGGCAGCGGCACTTGTACTCCGTCAGCGTGAGCAGGTCGCAGGTGCCCCCGTTG[C>CGGCAGGGGTTGGTGA]GGCAGGGGTTGGTGAGGCAGGCATTGTCCAGGGGTGTCAGGCAGAGGGGCCCAGAGAAGC-3'

ClinVar aggregate classification (germline): Uncertain significance (1 of 4 stars; one submission).

Submission:

Dasa
Classification: Uncertain significance. Last evaluated: 2025-09-15. Review status: criteria provided, single submitter. Criteria: DASA Assertion Criteria. Collection method: clinical testing. Allele origin: germline.
Comment: NM_017617.5(NOTCH1):c.320_334dup (p.Leu107_Cys111dup) is an in-frame duplication predicted to duplicate amino acids from leucine at protein position 107 through cysteine at protein position 111 without shifting the reading frame. Published studies describe this variant in association with related phenotype (PMID: 38474113). Also, this variant is absent from population databases. The currently available literature and clinical evidence are not sufficient to establish a definitive association between this variant and the reported condition. Therefore, this variant is classified as a variant of uncertain significance.

Literature cited by the submitters: PubMed 38474113.